The following is an entry in ClinVar:

NM_004082.5(DCTN1):c.3391G>T (p.Val1131Phe)

Gene: DCTN1 (dynactin subunit 1; minus strand). Cytogenetic location: 2p13.1.
Variant type: single nucleotide variant.
Coding change: c.3391G>T on transcript NM_004082.5 (MANE Select); coding-DNA position 3391, G replaced by T.
Protein change: p.Val1131Phe; replaces valine 1131 with phenylalanine.
Molecular consequence: missense variant. On other transcripts: non-coding transcript variant (1).
Genome position (GRCh38, 1-based): chr2:74,363,132, C>A on the plus strand (G>T on the coding strand, the complement: DCTN1 is on the minus strand). VCF-style: chr2-74363132-C-A. GRCh37 (hg19) VCF-style: chr2-74590259-C-A.
Other names: c.3316G>T, p.Val1106Phe (NM_001135040.3); c.2974G>T, p.Val992Phe (NM_001135041.3); c.3265G>T, p.Val1089Phe (NM_001190836.2); c.3370G>T, p.Val1124Phe (NM_001190837.2); c.3340G>T, p.Val1114Phe (NM_001378991.1); c.3322G>T, p.Val1108Phe (NM_001378992.1); c.2989G>T, p.Val997Phe (NM_023019.4); short protein forms V1131F, V1108F, V992F, V1089F, V1106F, V1124F, V997F, V1114F.
Identifiers: ClinVar variation 1346615 (VCV001346615.6), dbSNP rs1296558175, ClinGen allele CA347337334.
Genomic context (GRCh38, chr2:74,363,132, plus strand): 5'-TACGATACAGCGCTCCAGCTGGTAACTCACTGCCAGGGCCCTCATGGGATAGCTTTGCAA[C>A]ATGCAGAGGGGGCAGGGATGCCAAGGATGCCTTCATCTGGGCTCCCTGTGGATGAAAAAA-3'
Protein context (NP_004073.2, residues 1121-1141): ASLASLPPLH[Val1131Phe]AKLSHEGPGS

ClinVar aggregate classification (germline): Uncertain significance (1 of 4 stars; one submission).

Conditions:
Perry syndrome. Also called: PARKINSONISM WITH ALVEOLAR HYPOVENTILATION AND MENTAL DEPRESSION. Identifiers: Orphanet 178509, MedGen C1868594, MONDO:0008201, OMIM 168605.
Neuronopathy, distal hereditary motor, type 7B. Also called: NEURONOPATHY, DISTAL HEREDITARY MOTOR, AUTOSOMAL DOMINANT 14; NEURONOPATHY, DISTAL HEREDITARY MOTOR, HARDING TYPE VIIB; NEUROPATHY, DISTAL HEREDITARY MOTOR, HARDING TYPE VIIB; NEUROPATHY, DISTAL HEREDITARY MOTOR, WITH VOCAL CORD PARALYSIS, HARDING TYPE VIIB; LOWER MOTOR NEURON DISEASE, DYNACTIN TYPE; Distal Hereditary Motor Neuronopathy Type 7B (dHMN7B). Identifiers: Orphanet 139589, MedGen C1843315, MONDO:0011879, OMIM 607641.
Amyotrophic lateral sclerosis type 1 (ALS1). Also called: AMYOTROPHIC LATERAL SCLEROSIS 1, FAMILIAL. Identifiers: Orphanet 803, MedGen C1862939, MONDO:0007103, OMIM 105400.

Submission:

Labcorp Genetics (formerly Invitae), Labcorp
Classification: Uncertain significance for Amyotrophic lateral sclerosis type 1; Neuronopathy, distal hereditary motor, type 7B; Perry syndrome. Last evaluated: 2022-08-04. Review status: criteria provided, single submitter. Criteria: Invitae Variant Classification Sherloc (09022015). Collection method: clinical testing. Allele origin: germline.
Comment: Algorithms developed to predict the effect of missense changes on protein structure and function (SIFT, PolyPhen-2, Align-GVGD) all suggest that this variant is likely to be disruptive. This sequence change replaces valine, which is neutral and non-polar, with phenylalanine, which is neutral and non-polar, at codon 1131 of the DCTN1 protein (p.Val1131Phe). This variant is not present in population databases (gnomAD no frequency). This variant has not been reported in the literature in individuals affected with DCTN1-related conditions. ClinVar contains an entry for this variant (Variation ID: 1346615). In summary, the available evidence is currently insufficient to determine the role of this variant in disease. Therefore, it has been classified as a Variant of Uncertain Significance.